The following is an entry in ClinVar:

ClinVar aggregate classification (germline): Uncertain significance. Review status: criteria provided, multiple submitters, no conflicts (2 of 4 stars). 4 submissions from 4 submitters: Uncertain significance (4). Last evaluated 2025-12-10.

Conditions:
Hereditary cancer-predisposing syndrome. Also called: Neoplastic Syndromes, Hereditary; Hereditary Cancer Syndrome; Tumor predisposition; Hereditary neoplastic syndrome. Identifiers: Orphanet 140162, MedGen C0027672, MeSH D009386, MONDO:0015356.
Birt-Hogg-Dube syndrome. Also called: Birt Hogg Dubé syndrome. Identifiers: Orphanet 122, MedGen C0346010, MONDO:0800444.
Birt-Hogg-Dube syndrome 1 (BHD1). Also called: FIBROFOLLICULOMAS WITH TRICHODISCOMAS AND ACROCHORDONS. Identifiers: Orphanet 122, MedGen CN375946, MONDO:0800445, OMIM 135150.

Submissions (4):

Ambry Genetics
Classification: Uncertain significance for Hereditary cancer-predisposing syndrome. Last evaluated: 2025-12-10. Review status: criteria provided, single submitter. Criteria: Ambry Variant Classification Scheme 2023. Collection method: clinical testing. Allele origin: germline.
Comment: The p.I4M variant (also known as c.12C>G), located in coding exon 1 of the FLCN gene, results from a C to G substitution at nucleotide position 12. The isoleucine at codon 4 is replaced by methionine, an amino acid with highly similar properties. This amino acid position is conserved. In addition, the in silico prediction for this alteration is inconclusive. Since supporting evidence is limited at this time, the clinical significance of this alteration remains unclear.

Labcorp Genetics (formerly Invitae), Labcorp
Classification: Uncertain significance for Birt-Hogg-Dube syndrome. Last evaluated: 2025-11-05. Review status: criteria provided, single submitter. Criteria: Invitae Variant Classification Sherloc (09022015). Collection method: clinical testing. Allele origin: germline.
Comment: This sequence change replaces isoleucine, which is neutral and non-polar, with methionine, which is neutral and non-polar, at codon 4 of the FLCN protein (p.Ile4Met). This variant is not present in population databases (gnomAD no frequency). This variant has not been reported in the literature in individuals affected with FLCN-related conditions. ClinVar contains an entry for this variant (Variation ID: 2566322). Invitae Evidence Modeling of protein sequence and biophysical properties (such as structural, functional, and spatial information, amino acid conservation, physicochemical variation, residue mobility, and thermodynamic stability) indicates that this missense variant is expected to disrupt FLCN protein function with a positive predictive value of 80%. In summary, the available evidence is currently insufficient to determine the role of this variant in disease. Therefore, it has been classified as a Variant of Uncertain Significance.

GeneDx
Classification: Uncertain significance. Last evaluated: 2024-07-08. Review status: criteria provided, single submitter. Criteria: GeneDx Variant Classification Process June 2021. Collection method: clinical testing. Allele origin: germline. Affected: yes.
Comment: Not observed at significant frequency in large population cohorts (gnomAD); In silico analysis indicates that this missense variant does not alter protein structure/function; Has not been previously published as pathogenic or benign to our knowledge

Baylor Genetics
Classification: Uncertain significance for Birt-Hogg-Dube syndrome 1. Last evaluated: 2023-11-26. Review status: criteria provided, single submitter. Criteria: ACMG Guidelines, 2015. Collection method: clinical testing. Allele origin: unknown.

NM_144997.7(FLCN):c.12C>G (p.Ile4Met)

Gene: FLCN (folliculin; minus strand). Cytogenetic location: 17p11.2.
Variant type: single nucleotide variant.
Coding change: c.12C>G on transcript NM_144997.7 (MANE Select); coding-DNA position 12, C replaced by G.
Protein change: p.Ile4Met; replaces isoleucine 4 with methionine.
Molecular consequence: missense variant.
Genome position (GRCh38, 1-based): chr17:17,228,126, G>C on the plus strand (C>G on the coding strand, the complement: FLCN is on the minus strand). VCF-style: chr17-17228126-G-C. GRCh37 (hg19) VCF-style: chr17-17131440-G-C.
Other names: c.12C>G, p.Ile4Met (NM_001353229.2, NM_001353230.2, NM_001353231.2 and 1 more transcripts); short protein forms I4M.
Identifiers: ClinVar variation 2566322 (VCV002566322.7), dbSNP rs752123350, ClinGen allele CA398535511.
Genomic context (GRCh38, chr17:17,228,126, plus strand): 5'-CACCTCCGTGCAGAAGAGAGTGCGGGGGCCGTGGAGCTCGCAGAAGTGGCAGAGAGCCAC[G>C]ATGGCATTCATGGTGCCTTGGAGACTGCAACAGGCCTGCGTGGGACAGGGGACATGTCAG-3'
Protein context (NP_659434.2, residues 1-14): MNA[Ile4Met]VALCHFCELH